The following is an entry in ClinVar:

ClinVar aggregate classification (germline): Likely pathogenic (1 of 4 stars; one submission).

Submission:

GeneDx
Classification: Likely pathogenic. Last evaluated: 2017-11-14. Review status: criteria provided, single submitter. Criteria: GeneDx Variant Classification (06012015). Collection method: clinical testing. Allele origin: germline. Affected: yes.
Comment: The W3942X variant is not observed in large population cohorts (Lek et al., 2016). This variant is predicted to cause loss of normal protein function either through protein truncation or nonsense-mediated mRNA decay. Although, the W3942X variant has not been previously reported to our knowledge, other nonsense variants in the NEB gene have been reported in the Human Gene Mutation Database in association with nemaline myopathy (Stenson et al., 2014).

NM_001164508.2(NEB):c.11825G>A (p.Trp3942Ter)

Gene: NEB (nebulin; minus strand). Cytogenetic location: 2q23.3.
Variant type: single nucleotide variant.
Coding change: c.11825G>A on transcript NM_001164508.2 (MANE Select); coding-DNA position 11825, G replaced by A.
Protein change: p.Trp3942Ter; replaces tryptophan 3942 with a stop codon.
Molecular consequence: nonsense.
Genome position (GRCh38, 1-based): chr2:151,610,847, C>T on the plus strand (G>A on the coding strand, the complement: NEB is on the minus strand). VCF-style: chr2-151610847-C-T. GRCh37 (hg19) VCF-style: chr2-152467361-C-T.
Other names: c.11825G>A, p.Trp3942Ter (NM_001164507.2, NM_001271208.2); c.11096G>A, p.Trp3699Ter (NM_004543.5); short protein forms W3942*, W3699*.
Identifiers: ClinVar variation 489119 (VCV000489119.2), dbSNP rs1553887191, ClinGen allele CA348779763.